The following is an entry in ClinVar:

ClinVar aggregate classification (germline): Uncertain significance (1 of 4 stars; one submission).

Conditions:
Costello syndrome (CSTLO). Also called: HRAS-Related Costello Syndrome; FACIOCUTANEOSKELETAL SYNDROME; FCS SYNDROME. Identifiers: Orphanet 3071, MedGen C0587248, MONDO:0009026, OMIM 218040.

Submission:

Labcorp Genetics (formerly Invitae), Labcorp
Classification: Uncertain significance for Costello syndrome. Last evaluated: 2022-06-09. Review status: criteria provided, single submitter. Criteria: Invitae Variant Classification Sherloc (09022015). Collection method: clinical testing. Allele origin: germline.
Comment: In summary, the available evidence is currently insufficient to determine the role of this variant in disease. Therefore, it has been classified as a Variant of Uncertain Significance. Advanced modeling of protein sequence and biophysical properties (such as structural, functional, and spatial information, amino acid conservation, physicochemical variation, residue mobility, and thermodynamic stability) performed at Invitae indicates that this missense variant is not expected to disrupt HRAS protein function. This variant has not been reported in the literature in individuals affected with HRAS-related conditions. This variant is not present in population databases (gnomAD no frequency). This sequence change replaces aspartic acid, which is acidic and polar, with asparagine, which is neutral and polar, at codon 107 of the HRAS protein (p.Asp107Asn).

NM_005343.4(HRAS):c.319G>A (p.Asp107Asn)

Genes: LRRC56 (leucine rich repeat containing 56; plus strand), HRAS (HRas proto-oncogene, GTPase; minus strand). Cytogenetic location: 11p15.5.
Variant type: single nucleotide variant.
Coding change: c.319G>A on transcript NM_005343.4 (MANE Select); coding-DNA position 319, G replaced by A.
Protein change: p.Asp107Asn; replaces aspartic acid 107 with asparagine.
Molecular consequence: missense variant. On other transcripts: 5 prime UTR variant (1).
Genome position (GRCh38, 1-based): chr11:533,584, C>T on the plus strand (G>A on the coding strand, the complement: HRAS is on the minus strand). VCF-style: chr11-533584-C-T. GRCh37 (hg19) VCF-style: chr11-533584-C-T.
Other names: c.319G>A, p.Asp107Asn (NM_001130442.3, NM_176795.5); c.-1G>A (NM_001318054.2); short protein forms D107N.
Identifiers: ClinVar variation 2121275 (VCV002121275.4), dbSNP rs2133987770, ClinGen allele CA378923749.